The following is an entry in ClinVar:

NM_003124.5(SPR):c.262del (p.Arg88fs)

Gene: SPR (sepiapterin reductase; plus strand). Cytogenetic location: 2p13.2.
Variant type: Deletion.
Coding change: c.262del on transcript NM_003124.5 (MANE Select); coding-DNA position 262, one base deleted (C; older notation c.262delC).
Protein change: p.Arg88fs; shifts the reading frame from arginine 88.
Molecular consequence: frameshift variant.
Genome position (GRCh38, 1-based): chr2:72,887,694, C deleted; the last of 5 consecutive C bases (chr2:72,887,690-72,887,694); deleting any one gives the same sequence. VCF-style (leftmost placement, unchanged base first): chr2-72887689-TC-T. GRCh37 (hg19) VCF-style: chr2-73114818-TC-T.
Other names: short protein forms R88fs.
Identifiers: ClinVar variation 2760535 (VCV002760535.3), dbSNP rs1247454080, ClinGen allele CA533268791.
Genomic context (GRCh38, chr2:72,887,689, plus strand): 5'-TGCCCGCCGACCTGGGCGCCGAGGCCGGCTTGCAGCAGCTGCTCGGCGCCCTGCGCGAGC[TC>T]CCCCGGCCCAAGGGGCTGCAGCGACTGCTGCTTATCAACAACGCGGGTAAGACCCCGGGG-3'

ClinVar aggregate classification (germline): Pathogenic (1 of 4 stars; one submission).

Conditions:
Dystonic disorder. Also called: Dystonia. Identifiers: MedGen C0013421, MONDO:0003441, HP:0001332.

Submission:

Labcorp Genetics (formerly Invitae), Labcorp
Classification: Pathogenic for Dystonic disorder. Last evaluated: 2023-09-13. Review status: criteria provided, single submitter. Criteria: Invitae Variant Classification Sherloc (09022015). Collection method: clinical testing. Allele origin: germline.
Comment: This sequence change creates a premature translational stop signal (p.Arg88Glyfs*27) in the SPR gene. It is expected to result in an absent or disrupted protein product. Loss-of-function variants in SPR are known to be pathogenic (PMID: 22522443). The frequency data for this variant in the population databases is considered unreliable, as metrics indicate poor data quality at this position in the gnomAD database. This variant has not been reported in the literature in individuals affected with SPR-related conditions. For these reasons, this variant has been classified as Pathogenic.

Literature cited by the submitters: PubMed 22522443.